The following is an entry in ClinVar:

ClinVar aggregate classification (germline): Uncertain significance. Review status: criteria provided, multiple submitters, no conflicts (2 of 4 stars). 4 submissions from 4 submitters: Uncertain significance (4). Last evaluated 2026-02-06.

Conditions:
Inborn genetic diseases. Identifiers: MedGen C0950123, MeSH D030342.
CACNA1D-related disorder.

Allele frequency attached by ClinVar (database versions not stated): ExAC 0.00002; gnomAD exomes 0.00003; TOPMed 0.00003; gnomAD 0.00004; ESP Exome Variant Server 0.00015.
gnomAD v4.1: 21 of 1,613,866 alleles (0.0013%); highest among the groups gnomAD compares: Admixed American, 0.0083%; no homozygotes.

Submissions (4):

Women's Health and Genetics/Laboratory Corporation of America, LabCorp
Classification: Uncertain significance. Last evaluated: 2026-02-06. Review status: criteria provided, single submitter. Criteria: LabCorp Variant Classification Summary - May 2015. Collection method: clinical testing. Allele origin: germline.
Comment: Variant summary: CACNA1D c.5990C>T (p.Ser1997Leu) results in a non-conservative amino acid change in the encoded protein sequence. Algorithms developed to predict the effect of missense changes on protein structure and function are either unavailable or do not agree on the potential impact of this missense change. The variant allele was found at a frequency of 3.2e-05 in 250684 control chromosomes. The available data on variant occurrences in the general population are insufficient to allow any conclusion about variant significance. To our knowledge, no occurrence of c.5990C>T in individuals affected with CACNA1D-related conditions and no experimental evidence demonstrating its impact on protein function have been reported. ClinVar contains an entry for this variant (Variation ID: 1418749). Based on the evidence outlined above, the variant was classified as uncertain significance.

PreventionGenetics, part of Exact Sciences
Classification: Uncertain significance for CACNA1D-related condition. Last evaluated: 2025-10-15. Review status: criteria provided, single submitter. Criteria: ACMG Guidelines, 2015. Collection method: clinical testing. Allele origin: germline.
Comment: The CACNA1D c.5990C>T variant is predicted to result in the amino acid substitution p.Ser1997Leu. To our knowledge, this variant has not been reported in the literature. This variant is reported in 0.0085% of alleles in individuals of Latino descent in gnomAD. At this time, the clinical significance of this variant is uncertain due to the absence of conclusive functional and genetic evidence.

Labcorp Genetics (formerly Invitae), Labcorp
Classification: Uncertain significance. Last evaluated: 2025-09-15. Review status: criteria provided, single submitter. Criteria: Invitae Variant Classification Sherloc (09022015). Collection method: clinical testing. Allele origin: germline.
Comment: This sequence change replaces serine, which is neutral and polar, with leucine, which is neutral and non-polar, at codon 1997 of the CACNA1D protein (p.Ser1997Leu). This variant is present in population databases (rs202077075, gnomAD 0.009%). This variant has not been reported in the literature in individuals affected with CACNA1D-related conditions. ClinVar contains an entry for this variant (Variation ID: 1418749). An algorithm developed to predict the effect of missense changes on protein structure and function (PolyPhen-2) suggests that this variant is likely to be disruptive. In summary, the available evidence is currently insufficient to determine the role of this variant in disease. Therefore, it has been classified as a Variant of Uncertain Significance.

Ambry Genetics
Classification: Uncertain significance for Inborn genetic diseases. Last evaluated: 2025-08-27. Review status: criteria provided, single submitter. Criteria: Ambry Variant Classification Scheme 2023. Collection method: clinical testing. Allele origin: germline.

NM_001128840.3(CACNA1D):c.5930C>T (p.Ser1977Leu)

Gene: CACNA1D (calcium voltage-gated channel subunit alpha1 D; plus strand). Cytogenetic location: 3p21.1.
Variant type: single nucleotide variant.
Coding change: c.5930C>T on transcript NM_001128840.3 (MANE Select); coding-DNA position 5930, C replaced by T.
Protein change: p.Ser1977Leu; replaces serine 1977 with leucine.
Molecular consequence: missense variant.
Genome position (GRCh38, 1-based): chr3:53,810,036, C>T. VCF-style: chr3-53810036-C-T. GRCh37 (hg19) VCF-style: chr3-53844063-C-T.
Other names: c.5990C>T, p.Ser1997Leu (NM_000720.4); c.5858C>T, p.Ser1953Leu (NM_001128839.3); c.5990C>T (NM_000720.2, NM_000720.3); short protein forms S1977L, S1953L, S1997L.
Identifiers: ClinVar variation 1418749 (VCV001418749.9), dbSNP rs202077075, ClinGen allele CA2455323.
Genomic context (GRCh38, chr3:53,810,036, plus strand): 5'-AGATCATGGCAGTTGCCGGCCTAGATTCAAGTAAAGCCCAGAAGTACTCACCGAGTCACT[C>T]GACCCGGTCGTGGGCCACCCCTCCAGCAACCCCTCCCTACCGGGACTGGACACCGTGCTA-3'
Protein context (NP_001122312.1, residues 1967-1987): SKAQKYSPSH[Ser1977Leu]TRSWATPPAT